The following is an entry in ClinVar:

ClinVar aggregate classification (germline): Uncertain significance (1 of 4 stars; one submission).

Submission:

GeneDx
Classification: Uncertain significance. Last evaluated: 2024-10-15. Review status: criteria provided, single submitter. Criteria: GeneDx Variant Classification Process June 2021. Collection method: clinical testing. Allele origin: germline. Affected: yes.
Comment: Has not been previously published as pathogenic or benign to our knowledge; Not observed at significant frequency in large population cohorts (gnomAD); In silico analysis supports that this missense variant has a deleterious effect on protein structure/function

NM_170606.3(KMT2C):c.13154A>C (p.Lys4385Thr)

Gene: KMT2C (lysine methyltransferase 2C; minus strand). Cytogenetic location: 7q36.1.
Variant type: single nucleotide variant.
Coding change: c.13154A>C on transcript NM_170606.3 (MANE Select); coding-DNA position 13154, A replaced by C.
Protein change: p.Lys4385Thr; replaces lysine 4385 with threonine.
Molecular consequence: missense variant.
Genome position (GRCh38, 1-based): chr7:152,148,773, T>G on the plus strand (A>C on the coding strand, the complement: KMT2C is on the minus strand). VCF-style: chr7-152148773-T-G. GRCh37 (hg19) VCF-style: chr7-151845858-T-G.
Other names: short protein forms K4385T.
Identifiers: ClinVar variation 3781208 (VCV003781208.1).